The following is an entry in ClinVar:

ClinVar aggregate classification (germline): Pathogenic (1 of 4 stars; one submission).

Submission:

Labcorp Genetics (formerly Invitae), Labcorp
Classification: Pathogenic. Last evaluated: 2020-11-17. Review status: criteria provided, single submitter. Criteria: Invitae Variant Classification Sherloc (09022015). Collection method: clinical testing. Allele origin: germline.
Comment: For these reasons, this variant has been classified as Pathogenic. This variant has not been reported in the literature in individuals with NR2E3-related conditions. This variant is not present in population databases (ExAC no frequency). This sequence change creates a premature translational stop signal (p.Val13Trpfs*29) in the NR2E3 gene. It is expected to result in an absent or disrupted protein product. Loss-of-function variants in NR2E3 are known to be pathogenic (PMID: 15459973, 27522502).

Literature cited by the submitters: PubMed 15459973; PubMed 27522502.

NM_014249.4(NR2E3):c.36del (p.Val13fs)

Gene: NR2E3 (nuclear receptor subfamily 2 group E member 3; plus strand). Cytogenetic location: 15q23.
Variant type: Deletion.
Coding change: c.36del on transcript NM_014249.4 (MANE Select); coding-DNA position 36, one base deleted (A; older notation c.36delA).
Protein change: p.Val13fs; shifts the reading frame from valine 13.
Molecular consequence: frameshift variant.
Genome position (GRCh38, 1-based): chr15:71,810,779, A deleted. VCF-style (leftmost placement, unchanged base first): chr15-71810778-CA-C. GRCh37 (hg19) VCF-style: chr15-72103118-CA-C.
Other names: c.36del, p.Val13fs (NM_016346.4); short protein forms V13fs.
Identifiers: ClinVar variation 1432619 (VCV001432619.6), dbSNP rs2140287827, ClinGen allele CA2573151133.